The following is an entry in ClinVar:

ClinVar aggregate classification (germline): Pathogenic. Review status: reviewed by expert panel (3 of 4 stars). 17 submissions from 17 submitters: Pathogenic (1). 16 of the submissions do not count toward it. Last evaluated 2016-09-08.

Conditions:
Hereditary cancer-predisposing syndrome. Also called: Tumor predisposition; Neoplastic Syndromes, Hereditary; Hereditary Cancer Syndrome; Hereditary neoplastic syndrome. Identifiers: Orphanet 140162, MedGen C0027672, MeSH D009386, MONDO:0015356.
Hereditary breast ovarian cancer syndrome. Also called: Hereditary breast and ovarian cancer syndrome (HBOC); Hereditary breast and ovarian cancer syndrome; Hereditary breast and ovarian cancer; Hereditary breast and/or ovarian cancer syndrome; Breast and ovarian cancer; BRCA1- and BRCA2-Associated Hereditary Breast and Ovarian Cancer. Identifiers: Orphanet 145, MedGen C0677776, MeSH D061325, MONDO:0003582. Disease mechanism: loss of function.
Malignant tumor of urinary bladder. Also called: Bladder cancer; Urinary bladder cancer; Urinary Bladder Neoplasms. Identifiers: MedGen C0005684, MONDO:0001187, OMIM 109800.
Breast-ovarian cancer, familial, susceptibility to, 2 (BROVCA2). Also called: BRCA2 Hereditary Breast and Ovarian Cancer. Identifiers: Orphanet 145, MedGen C2675520, MONDO:0012933, OMIM 612555. Disease mechanism: loss of function.
Breast-ovarian cancer, familial, susceptibility to, 1 (BROVCA1). Also called: OVARIAN CANCER, SUSCEPTIBILITY TO; BRCA1 Hereditary Breast and Ovarian Cancer. Identifiers: Orphanet 145, MedGen C2676676, MONDO:0011450, OMIM 604370. Disease mechanism: loss of function.
Familial cancer of breast. Also called: Hereditary breast cancer; hereditary breast carcinoma; BREAST CANCER, FAMILIAL. Identifiers: Orphanet 227535, MedGen C0346153, MONDO:0016419, OMIM 114480. Disease mechanism: loss of function.

Submissions 1 to 9 of 17:

Evidence-based Network for the Interpretation of Germline Mutant Alleles (ENIGMA)
Classification: Pathogenic for Breast-ovarian cancer, familial, susceptibility to, 2. Last evaluated: 2016-09-08. Review status: reviewed by expert panel. Criteria: ENIGMA BRCA1/2 Classification Criteria (2015). Collection method: curation. Allele origin: germline.
Comment: Variant allele predicted to encode a truncated non-functional protein.

Labcorp Genetics (formerly Invitae), Labcorp
Classification: Pathogenic for Hereditary breast ovarian cancer syndrome. Last evaluated: 2026-01-23. Review status: criteria provided, single submitter. Criteria: Invitae Variant Classification Sherloc (09022015). Collection method: clinical testing. Allele origin: germline. Not counted in ClinVar's aggregate classification.
Comment: This sequence change creates a premature translational stop signal (p.Gln1371*) in the BRCA2 gene. It is expected to result in an absent or disrupted protein product. Loss-of-function variants in BRCA2 are known to be pathogenic (PMID: 20104584). This variant is not present in population databases (gnomAD no frequency). This premature translational stop signal has been observed in individual(s) with breast cancer (PMID: 25371446). ClinVar contains an entry for this variant (Variation ID: 51599). For these reasons, this variant has been classified as Pathogenic.

Quest Diagnostics Nichols Institute San Juan Capistrano
Classification: Pathogenic. Last evaluated: 2025-06-16. Review status: criteria provided, single submitter. Criteria: Quest Diagnostics criteria. Collection method: clinical testing. Allele origin: unknown. Not counted in ClinVar's aggregate classification.
Comment: The BRCA2 c.4111C>T (p.Gln1371*) variant causes the premature termination of BRCA2 protein synthesis. This variant has been reported in the published literature in individuals with breast cancer (PMID: 29446198 (2018), 26564481 (2015), 25371446 (2014), 17319787 (2007)), and ovarian cancer (PMID: 36367610 (2023)). This variant has not been reported in large, multi-ethnic general populations (Genome Aggregation Database). Based on the available information, this variant is classified as pathogenic.

Ambry Genetics
Classification: Pathogenic for Hereditary cancer-predisposing syndrome. Last evaluated: 2025-05-23. Review status: criteria provided, single submitter. Criteria: Ambry Variant Classification Scheme 2023. Collection method: clinical testing. Allele origin: germline. Not counted in ClinVar's aggregate classification.
Comment: The p.Q1371* pathogenic mutation (also known as c.4111C>T), located in coding exon 10 of the BRCA2 gene, results from a C to T substitution at nucleotide position 4111. This changes the amino acid from a glutamine to a stop codon within coding exon 10. This alteration was detected in three individuals from a cohort of 810 unselected, Hispanic women with a personal history of breast cancer (Torres-Mej&iacute;a G et al. Cancer Epidemiol. Biomarkers Prev. 2015 Mar;24:498-505). In addition to the clinical data presented in the literature, this alteration is expected to result in loss of function by premature protein truncation or nonsense-mediated mRNA decay. As such, this alteration is interpreted as a disease-causing mutation.

Variantyx, Inc.
Classification: Pathogenic for Breast-ovarian cancer, familial, susceptibility to, 2. Last evaluated: 2025-03-07. Review status: criteria provided, single submitter. Criteria: Variantyx Assertion Criteria 2022. Collection method: clinical testing. Allele origin: paternal. Not counted in ClinVar's aggregate classification.
Comment: This is a nonsense variant in the BRCA2 gene (OMIM: 600185). Pathogenic variants in this gene have been associated with autosomal dominant susceptibility to familial breast-ovarian cancer 2. This variant introduces a premature termination codon in exon 11 out of 27. It is expected to result in loss of function, which is a known disease mechanism for BRCA2 in this disorder (PMID: 20104584) (PVS1). This variant is absent from control populations (PM2_Supporting). Other reputable laboratories have reported this variant as pathogenic or likely pathogenic, and this classification has been validated by an expert panel in ClinVar (PP5). Based on the current evidence, this variant is classified as pathogenic for autosomal dominant susceptibility to familial breast-ovarian cancer 2.

ARUP Laboratories, Molecular Genetics and Genomics, ARUP Laboratories
Classification: Pathogenic. Last evaluated: 2024-07-24. Review status: criteria provided, single submitter. Criteria: ARUP Molecular Germline Variant Investigation Process 2024. Collection method: clinical testing. Allele origin: germline. Not counted in ClinVar's aggregate classification.
Comment: The BRCA2 c.4111C>T; p.Gln1371Ter variant (rs80358659; ClinVar Variation ID: 51599) has been described in multiple individuals and families affected with hereditary breast and ovarian cancer (HBOC; Rebbeck 2018, Torres-Mejia 2015). This variant is absent from the Genome Aggregation Database (v2.1.1), indicating it is not a common polymorphism. This variant induces an early termination codon in exon 11 (of 27) and is predicted to result in a truncated protein or mRNA subject to nonsense-mediated decay. Additionally, several downstream truncating variants have been described in association with HBOC (Rebbeck 2018). Based on available information, the p.Gln1371Ter variant is considered pathogenic. REFERENCES Rebbeck T et al. Mutational spectrum in a worldwide study of 29,700 families with BRCA1 or BRCA2 mutations. Hum Mutat. 2018 May;39(5):593-620. Torres-Mejia G et al. Recurrent BRCA1 and BRCA2 mutations in Mexican women with breast cancer. Cancer Epidemiol Biomarkers Prev. 2015 Mar;24(3):498-505.

GeneDx
Classification: Pathogenic. Last evaluated: 2024-01-26. Review status: criteria provided, single submitter. Criteria: GeneDx Variant Classification Process June 2021. Collection method: clinical testing. Allele origin: germline. Affected: yes. Not counted in ClinVar's aggregate classification.
Comment: Nonsense variant predicted to result in protein truncation or nonsense mediated decay in a gene for which loss-of-function is a known mechanism of disease; Observed in individuals with BRCA2-related cancers (PMID: 11056688, 22711857, 26564481, 25371446); Not observed at significant frequency in large population cohorts (gnomAD); Truncating variants in this gene are considered pathogenic by a well-established clinical consortium and/or database; Also known as 4339C>T; This variant is associated with the following publications: (PMID: 26564481, 28127413, 22711857, 10923033, 25371446, 11056688, 26295337, 17319787, 29446198, 30787465, 36367610, 35438911)

All of Us Research Program, National Institutes of Health
Classification: Pathogenic for Breast-ovarian cancer, familial, susceptibility to, 2. Last evaluated: 2024-01-04. Review status: criteria provided, single submitter. Criteria: ACMG Guidelines, 2015. Collection method: clinical testing. Allele origin: germline. Inheritance: Autosomal dominant inheritance. Observed: 1 variant allele, 1 heterozygote. Not counted in ClinVar's aggregate classification.
Comment: This variant changes 1 nucleotide in exon 11 of the BRCA2 gene, creating a premature translation stop signal. This variant is expected to result in an absent or non-functional protein product. To our knowledge, functional studies have not been reported for this variant. This variant has been reported in individuals affected with breast cancer (PMID: 25371446) and ovarian cancer (PMID: 22711857). This variant has not been identified in the general population by the Genome Aggregation Database (gnomAD). Loss of BRCA2 function is a known mechanism of disease. Based on the available evidence, this variant is classified as Pathogenic.

This study involves interpretation of variants in research participants for the purpose of population health screening. Participant phenotype was not available at the time of variant classification. Additional details can be found in publication PMID: 35346344, PMCID: PMC8962531

Baylor Genetics
Classification: Pathogenic for Familial cancer of breast. Last evaluated: 2023-11-28. Review status: criteria provided, single submitter. Criteria: ACMG Guidelines, 2015. Collection method: clinical testing. Allele origin: unknown. Not counted in ClinVar's aggregate classification.

NM_000059.4(BRCA2):c.4111C>T (p.Gln1371Ter)

Gene: BRCA2 (BRCA2 DNA repair associated; plus strand). Cytogenetic location: 13q13.1.
Variant type: single nucleotide variant.
Coding change: c.4111C>T on transcript NM_000059.4 (MANE Select); coding-DNA position 4111, C replaced by T.
Protein change: p.Gln1371Ter; replaces glutamine 1371 with a stop codon.
Molecular consequence: nonsense.
Genome position (GRCh38, 1-based): chr13:32,338,466, C>T. VCF-style: chr13-32338466-C-T. GRCh37 (hg19) VCF-style: chr13-32912603-C-T.
Other names: 4339C>T; short protein forms Q1371*.
Identifiers: ClinVar variation 51599 (VCV000051599.41), dbSNP rs80358659, ClinGen allele CA019545.